The following is an entry in ClinVar:

NM_001875.5(CPS1):c.3136C>T (p.Gln1046Ter)

Gene: CPS1 (carbamoyl-phosphate synthase 1; plus strand). Cytogenetic location: 2q34.
Variant type: single nucleotide variant.
Coding change: c.3136C>T on transcript NM_001875.5 (MANE Select); coding-DNA position 3136, C replaced by T.
Protein change: p.Gln1046Ter; replaces glutamine 1046 with a stop codon.
Molecular consequence: nonsense. On other transcripts: non-coding transcript variant (2).
Genome position (GRCh38, 1-based): chr2:210,642,660, C>T. VCF-style: chr2-210642660-C-T. GRCh37 (hg19) VCF-style: chr2-211507384-C-T.
Other names: c.3136C>T, p.Gln1046Ter (NM_001122633.3, NM_001369257.1); c.3169C>T, p.Gln1057Ter (NM_001369256.1); short protein forms Q1046*, Q1057*.
Identifiers: ClinVar variation 2680908 (VCV002680908.5), dbSNP rs1700265109, ClinGen allele CA350434487.

ClinVar aggregate classification (germline): Pathogenic. Review status: criteria provided, multiple submitters, no conflicts (2 of 4 stars). 3 submissions from 3 submitters: Pathogenic (3). Last evaluated 2025-05-16.

Conditions:
Pulmonary hypertension, neonatal, susceptibility to (PHN). Identifiers: MedGen C3714958, MONDO:0014151, OMIM 615371.
Congenital hyperammonemia, type I. Also called: Carbamoyl-phosphate synthase I deficiency; CPS I DEFICIENCY; Carbamoyl phosphate synthetase I deficiency disease; Carbamoyl phosphate synthetase 1 deficiency; Hyperammonemia due to carbamoyl phosphate synthetase 1 deficiency; CPS 1 deficiency. Identifiers: Orphanet 147, MedGen C4082171, MONDO:0009376, OMIM 237300.

gnomAD v4.1: 1 of 1,613,106 alleles (0.000062%); highest among the groups gnomAD compares: Non-Finnish European, 0.000085%; no homozygotes.

Submissions (3):

Natera, Inc.
Classification: Pathogenic for Carbamoyl-phosphate synthase I deficiency. Last evaluated: 2025-05-16. Review status: criteria provided, single submitter. Criteria: Natera Variant Classification Schema (03/2026). Collection method: clinical testing. Allele origin: germline.
Comment: The c.3136C>T variant in CPS1 is a nonsense variant predicted to introduce a stop codon at amino acid 1046. This variant is expected to result in nonsense mediated decay, truncation, or a dysfunctional protein product. This variant is rare in the general population with a frequency below the threshold expected for the associated phenotype(s). This variant has been observed in one or more individuals affected with the associated recessive disease, as either homozygous or compound heterozygous with a second variant (PMID: 28526534). Given the available evidence, this variant is classified as Pathogenic.

Labcorp Genetics (formerly Invitae), Labcorp
Classification: Pathogenic for Congenital hyperammonemia, type I. Last evaluated: 2023-08-22. Review status: criteria provided, single submitter. Criteria: Invitae Variant Classification Sherloc (09022015). Collection method: clinical testing. Allele origin: germline.
Comment: For these reasons, this variant has been classified as Pathogenic. This premature translational stop signal has been observed in individual(s) with carbamoyl phosphate synthetase deficiency (PMID: 28526534). This variant is not present in population databases (gnomAD no frequency). This sequence change creates a premature translational stop signal (p.Gln1046*) in the CPS1 gene. It is expected to result in an absent or disrupted protein product. Loss-of-function variants in CPS1 are known to be pathogenic (PMID: 21120950).

Baylor Genetics
Classification: Pathogenic for Pulmonary hypertension, neonatal, susceptibility to. Last evaluated: 2022-07-12. Review status: criteria provided, single submitter. Criteria: ACMG Guidelines, 2015. Collection method: clinical testing. Allele origin: unknown.

Literature cited by the submitters: PubMed 28526534 (cited by Natera, Inc. and Labcorp Genetics (formerly Invitae), Labcorp); PubMed 21120950 (cited by Labcorp Genetics (formerly Invitae), Labcorp).